The following is an entry in ClinVar:

ClinVar aggregate classification (germline): Pathogenic (1 of 4 stars; one submission).

Submission:

Labcorp Genetics (formerly Invitae), Labcorp
Classification: Pathogenic. Last evaluated: 2021-08-13. Review status: criteria provided, single submitter. Criteria: Invitae Variant Classification Sherloc (09022015). Collection method: clinical testing. Allele origin: germline.
Comment: This sequence change replaces valine with alanine at codon 99 of the UROS protein (p.Val99Ala). The valine residue is highly conserved and there is a small physicochemical difference between valine and alanine. This variant is not present in population databases (ExAC no frequency). This variant has been observed in individual(s) with congenital erythropoietic porphyria (PMID: 7552139). In at least one individual the data is consistent with the variant being in trans (on the opposite chromosome) from a pathogenic variant. Algorithms developed to predict the effect of missense changes on protein structure and function (SIFT, PolyPhen-2, Align-GVGD) all suggest that this variant is likely to be disruptive. Experimental studies have shown that this variant affects UROS protein function (PMID: 7552139, 7860775, 16532394, 19099412). For these reasons, this variant has been classified as Pathogenic.

Literature cited by the submitters: PubMed 7552139; PubMed 7860775; PubMed 16532394; PubMed 19099412.

NM_000375.3(UROS):c.296T>C (p.Val99Ala)

Gene: UROS (uroporphyrinogen III synthase; minus strand). Cytogenetic location: 10q26.2.
Variant type: single nucleotide variant.
Coding change: c.296T>C on transcript NM_000375.3 (MANE Select); coding-DNA position 296, T replaced by C.
Protein change: p.Val99Ala; replaces valine 99 with alanine.
Molecular consequence: missense variant. On other transcripts: non-coding transcript variant (4).
Genome position (GRCh38, 1-based): chr10:125,812,237, A>G on the plus strand (T>C on the coding strand, the complement: UROS is on the minus strand). VCF-style: chr10-125812237-A-G. GRCh37 (hg19) VCF-style: chr10-127500806-A-G.
Other names: c.296T>C, p.Val99Ala (NM_001324036.2, NM_001324037.2, NM_001324038.2 and 1 more transcripts); short protein forms V99A.
Identifiers: ClinVar variation 1456823 (VCV001456823.8), dbSNP rs2133926208, ClinGen allele CA378660500.